The following is an entry in ClinVar:

NM_024675.3:c.2913_2914insALU

Gene: PALB2 (partner and localizer of BRCA2; minus strand).
Variant type: Insertion.
Identifiers: ClinVar variation 1797601 (VCV001797601.2).

ClinVar aggregate classification (germline): Likely pathogenic (1 of 4 stars; one submission).

Conditions:
Hereditary cancer-predisposing syndrome. Also called: Neoplastic Syndromes, Hereditary; Tumor predisposition; Hereditary Cancer Syndrome; Hereditary neoplastic syndrome. Identifiers: Orphanet 140162, MedGen C0027672, MeSH D009386, MONDO:0015356.

Submission:

Ambry Genetics
Classification: Likely pathogenic for Hereditary cancer-predisposing syndrome. Last evaluated: 2019-09-16. Review status: criteria provided, single submitter. Criteria: Ambry Variant Classification Scheme 2023. Collection method: clinical testing. Allele origin: germline.
Comment: The c.2913_2914insAlu likely pathogenic variant results from an Alu element insertion within coding exon 9 of the PALB2 gene. Alu element insertions have been shown to contribute to pathogenicity by either disrupting a coding region or a splice signal (Belancio VP et al. Semin Cancer Biol. 2010 Aug;20(4):200-10; Deininger P. Genome Biol. 2011 Dec 28;12(12):236). Two Alu element insertions have been reported in coding exon 5 of the PALB2 gene (Qian Y et al. Cancer Genet. 2017 Oct;216-217:159-169). Based on the majority of available evidence to date, this variant is likely to be pathogenic.

Literature cited by the submitters: PubMed 20600922; PubMed 22204421; PubMed 29025590.